The following is an entry in ClinVar:

NM_000548.5(TSC2):c.3814+15G>A

Gene: TSC2 (TSC complex subunit 2; plus strand). Cytogenetic location: 16p13.3.
Variant type: single nucleotide variant.
Coding change: c.3814+15G>A on transcript NM_000548.5 (MANE Select); 15 bases into the intron after coding-DNA position 3814, G replaced by A.
Molecular consequence: intron variant.
Genome position (GRCh38, 1-based): chr16:2,081,813, G>A. VCF-style: chr16-2081813-G-A. GRCh37 (hg19) VCF-style: chr16-2131814-G-A.
Other names: c.3814+15G>A (NM_000548.4, NM_001114382.3); c.3685+15G>A (NM_021055.3, NM_001370405.1, NM_001363528.2); c.3682+15G>A (NM_001370404.1, NM_001077183.3); c.3574+15G>A (NM_001318827.2); c.3082+15G>A (NM_001318831.2); c.3538+15G>A (NM_001318829.2); c.3715+15G>A (NM_001318832.2).
Identifiers: ClinVar variation 387000 (VCV000387000.9), dbSNP rs201225719, ClinGen allele CA048507.

ClinVar aggregate classification (germline): Likely benign. Review status: criteria provided, multiple submitters, no conflicts (2 of 4 stars). 3 submissions from 3 submitters: Likely benign (3). Last evaluated 2025-12-30.

Conditions:
Tuberous sclerosis 2 (TSC2). Identifiers: Orphanet 805, MedGen C1860707, MONDO:0013199, OMIM 613254.

Allele frequency attached by ClinVar (database versions not stated): gnomAD 0.00001 and 0.00003; TOPMed 0.00002; gnomAD exomes 0.00003 and 0.00004; ExAC 0.00004; 1000 Genomes Project 0.00020; 1000 Genomes Project 30x 0.00062.
gnomAD v4.1: 66 of 1,611,318 alleles (0.0041%); highest among the groups gnomAD compares: South Asian, 0.054%; 2 homozygotes.

Submissions (3):

Labcorp Genetics (formerly Invitae), Labcorp
Classification: Likely benign for Tuberous sclerosis 2. Last evaluated: 2025-12-30. Review status: criteria provided, single submitter. Criteria: Invitae Variant Classification Sherloc (09022015). Collection method: clinical testing. Allele origin: germline.

KCCC/NGS Laboratory, Kuwait Cancer Control Center
Classification: Likely benign for Tuberous sclerosis 2. Last evaluated: 2023-07-07. Review status: criteria provided, single submitter. Criteria: ACMG Guidelines, 2015. Collection method: clinical testing. Allele origin: germline. Affected: yes.

GeneDx
Classification: Likely benign. Last evaluated: 2016-06-17. Review status: criteria provided, single submitter. Criteria: GeneDx Variant Classification (06012015). Collection method: clinical testing. Allele origin: germline. Affected: yes.
Comment: This variant is considered likely benign or benign based on one or more of the following criteria: it is a conservative change, it occurs at a poorly conserved position in the protein, it is predicted to be benign by multiple in silico algorithms, and/or has population frequency not consistent with disease.